The following is an entry in ClinVar:

NM_025137.4(SPG11):c.4558C>A (p.Leu1520Ile)

Gene: SPG11 (SPG11 vesicle trafficking associated, spatacsin; minus strand). Cytogenetic location: 15q21.1.
Variant type: single nucleotide variant.
Coding change: c.4558C>A on transcript NM_025137.4 (MANE Select); coding-DNA position 4558, C replaced by A.
Protein change: p.Leu1520Ile; replaces leucine 1520 with isoleucine.
Molecular consequence: missense variant.
Genome position (GRCh38, 1-based): chr15:44,595,336, G>T on the plus strand (C>A on the coding strand, the complement: SPG11 is on the minus strand). VCF-style: chr15-44595336-G-T. GRCh37 (hg19) VCF-style: chr15-44887534-G-T.
Other names: c.4558C>A, p.Leu1520Ile (NM_001160227.2, NM_001411132.1); short protein forms L1520I.
Identifiers: ClinVar variation 3668355 (VCV003668355.2).
Genomic context (GRCh38, chr15:44,595,336, plus strand): 5'-AACCTCTGATGAGAGTTTTGCTCTTTTGTCTTGTTAATAATGTTCTCCAGATGACTGAAA[G>T]ATCCTCAAGGTTCCAGGTATGGTCCTCTGTTGAGTCCTGAATGTGTCCCATTGCTTCAGT-3'
Protein context (NP_079413.3, residues 1510-1530): TEDHTWNLED[Leu1520Ile]SVIWRTLLTR

ClinVar aggregate classification (germline): Uncertain significance (1 of 4 stars; one submission).

Conditions:
Hereditary spastic paraplegia 11. Also called: SPASTIC PARAPLEGIA, AUTOSOMAL RECESSIVE, COMPLICATED, WITH THIN CORPUS CALLOSUM; SPASTIC PARAPLEGIA, AUTOSOMAL RECESSIVE, WITH MENTAL IMPAIRMENT AND THIN CORPUS CALLOSUM; Spastic Paraplegia 11; Spastic paraplegia, mental retardation and thin corpus callosum; Nakamura Osame syndrome; Autosomal recessive hereditary spastic paraplegia, mental impairment, and thin corpus callosum. Identifiers: Orphanet 2822, MedGen C1858479, MONDO:0011445, OMIM 604360.

Submission:

Labcorp Genetics (formerly Invitae), Labcorp
Classification: Uncertain significance for Hereditary spastic paraplegia 11. Last evaluated: 2024-05-09. Review status: criteria provided, single submitter. Criteria: Invitae Variant Classification Sherloc (09022015). Collection method: clinical testing. Allele origin: germline.
Comment: This sequence change replaces leucine, which is neutral and non-polar, with isoleucine, which is neutral and non-polar, at codon 1520 of the SPG11 protein (p.Leu1520Ile). This variant is not present in population databases (gnomAD no frequency). This variant has not been reported in the literature in individuals affected with SPG11-related conditions. Advanced modeling of protein sequence and biophysical properties (such as structural, functional, and spatial information, amino acid conservation, physicochemical variation, residue mobility, and thermodynamic stability) performed at Invitae indicates that this missense variant is expected to disrupt SPG11 protein function with a positive predictive value of 80%. In summary, the available evidence is currently insufficient to determine the role of this variant in disease. Therefore, it has been classified as a Variant of Uncertain Significance.